The following is an entry in ClinVar:

NM_005902.4(SMAD3):c.862_869dup (p.Gly291fs)

Gene: SMAD3 (SMAD family member 3; plus strand). Cytogenetic location: 15q22.33.
Variant type: Duplication.
Coding change: c.862_869dup on transcript NM_005902.4 (MANE Select); coding-DNA positions 862 to 869, 8 bases duplicated (AGACACAT; older notation c.862_869dupAGACACAT).
Protein change: p.Gly291fs; shifts the reading frame from glycine 291.
Molecular consequence: frameshift variant.
Genome position (GRCh38, 1-based): chr15:67,181,444-67,181,451, AGACACAT duplicated. VCF-style (leftmost placement, unchanged base first): chr15-67181443-G-GAGACACAT. GRCh37 (hg19) VCF-style: chr15-67473781-G-GAGACACAT.
Other names: c.547_554dup, p.Gly186fs (NM_001145102.2); c.730_737dup, p.Gly247fs (NM_001145103.2); c.277_284dup, p.Gly96fs (NM_001145104.2); c.862_869dup (NM_005902.3); short protein forms G186fs, G247fs, G291fs, G96fs.
Identifiers: ClinVar variation 1070950 (VCV001070950.8), dbSNP rs2140314457, ClinGen allele CA2499223058.
Genomic context (GRCh38, chr15:67,181,443, plus strand): 5'-GCGCTTCTGCCTAGGGCTGCTCTCCAATGTCAACAGGAATGCAGCAGTGGAGCTGACACG[G>GAGACACAT]AGACACATCGGTATGGGGTGGCTCCATTCCCCGCCCCCCCACCCTGCCCCTGCCACTCTA-3'

ClinVar aggregate classification (germline): Pathogenic/Likely pathogenic. Review status: criteria provided, multiple submitters, no conflicts (2 of 4 stars). 2 submissions from 2 submitters: Pathogenic (1); Likely pathogenic (1). Last evaluated 2025-02-06.

Conditions:
Familial thoracic aortic aneurysm and aortic dissection (TAAD). Also called: Thoracic aortic aneurysms and dissections. Identifiers: Orphanet 91387, MedGen C4707243, MONDO:0019625.

Submissions (2):

Labcorp Genetics (formerly Invitae), Labcorp
Classification: Pathogenic for Familial thoracic aortic aneurysm and aortic dissection. Last evaluated: 2025-02-06. Review status: criteria provided, single submitter. Criteria: Invitae Variant Classification Sherloc (09022015). Collection method: clinical testing. Allele origin: germline.
Comment: This sequence change creates a premature translational stop signal (p.Gly291Aspfs*53) in the SMAD3 gene. It is expected to result in an absent or disrupted protein product. Loss-of-function variants in SMAD3 are known to be pathogenic (PMID: 21778426, 24804794). This variant is not present in population databases (gnomAD no frequency). This variant has not been reported in the literature in individuals affected with SMAD3-related conditions. ClinVar contains an entry for this variant (Variation ID: 1070950). For these reasons, this variant has been classified as Pathogenic.

GeneDx
Classification: Likely pathogenic. Last evaluated: 2024-11-19. Review status: criteria provided, single submitter. Criteria: GeneDx Variant Classification Process June 2021. Collection method: clinical testing. Allele origin: germline. Affected: yes.
Comment: Has not been previously published as pathogenic or benign to our knowledge; Not observed at significant frequency in large population cohorts (gnomAD); Frameshift variant predicted to result in protein truncation or nonsense mediated decay in a gene for which loss-of-function is a known mechanism of disease

Literature cited by the submitters: PubMed 21778426 (cited by Labcorp Genetics (formerly Invitae), Labcorp); PubMed 24804794 (cited by Labcorp Genetics (formerly Invitae), Labcorp).